The following is an entry in ClinVar:

NM_001292063.2(OTOG):c.2561+14G>A

Gene: OTOG (otogelin; plus strand). Cytogenetic location: 11p15.1.
Variant type: single nucleotide variant.
Coding change: c.2561+14G>A on transcript NM_001292063.2 (MANE Select); 14 bases into the intron after coding-DNA position 2561, G replaced by A.
Molecular consequence: intron variant.
Genome position (GRCh38, 1-based): chr11:17,576,644, G>A. VCF-style: chr11-17576644-G-A. GRCh37 (hg19) VCF-style: chr11-17598191-G-A.
Other names: c.2597+14G>A (NM_001277269.2).
Identifiers: ClinVar variation 226871 (VCV000226871.23), dbSNP rs4756902, ClinGen allele CA5905638.

ClinVar aggregate classification (germline): Benign. Review status: criteria provided, multiple submitters, no conflicts (2 of 4 stars). 7 submissions from 7 submitters: Benign (5). 2 of the submissions do not count toward it. Last evaluated 2026-02-04.

Conditions:
Autosomal recessive nonsyndromic hearing loss 18B. Also called: Deafness, autosomal recessive 18b. Identifiers: Orphanet 90636, MedGen C3554163, MONDO:0013985, OMIM 614945.

Allele frequency attached by ClinVar (database versions not stated): 1000 Genomes Project 30x 0.33542; gnomAD exomes 0.33710 and 0.38327; 1000 Genomes Project 0.33846; ExAC 0.35204; gnomAD 0.37182 and 0.36778; TOPMed 0.36010.
gnomAD v4.1: 585,697 of 1,535,456 alleles (38%); highest among the groups gnomAD compares: Non-Finnish European, 40%; 113,789 homozygotes.

Submissions (7):

Labcorp Genetics (formerly Invitae), Labcorp
Classification: Benign. Last evaluated: 2026-02-04. Review status: criteria provided, single submitter. Criteria: Invitae Variant Classification Sherloc (09022015). Collection method: clinical testing. Allele origin: germline.

Genome-Nilou Lab
Classification: Benign for Autosomal recessive nonsyndromic hearing loss 18B. Last evaluated: 2021-09-05. Review status: criteria provided, single submitter. Criteria: ACMG Guidelines, 2015. Collection method: clinical testing. Allele origin: germline. Affected: no.

GeneDx
Classification: Benign. Last evaluated: 2018-06-24. Review status: criteria provided, single submitter. Criteria: GeneDx Variant Classification Process June 2021. Collection method: clinical testing. Allele origin: germline. Affected: yes.

Laboratory for Molecular Medicine, Mass General Brigham Personalized Medicine
Classification: Benign. Last evaluated: 2014-11-24. Review status: criteria provided, single submitter. Criteria: LMM Criteria. Collection method: clinical testing. Allele origin: germline. Observed: 451 variant alleles.
Comment: 2597+14G>A in intron 20 of OTOG: This variant is not expected to have clinical s ignificance because it is not located within the conserved splice consensus sequ ence. It has been identified in 43.3% (77/178) of English and Scottish chromosom es from a broad population by the 1000 Genomes Project (. gov/projects/SNP; dbSNP rs4756902).

Breakthrough Genomics
Classification: Benign. Review status: criteria provided, single submitter. Criteria: ACMG Guidelines, 2015. Collection method: not provided. Allele origin: germline. Inheritance: Autosomal recessive inheritance. Affected: yes.

Diagnostic Laboratory, Department of Genetics, University Medical Center Groningen
Classification: Benign. Review status: no assertion criteria provided. Collection method: clinical testing. Allele origin: germline. Affected: yes. Study: VKGL Data-share Consensus. Not counted in ClinVar's aggregate classification.

Joint Genome Diagnostic Labs from Nijmegen and Maastricht, Radboudumc and MUMC+
Classification: Benign. Review status: no assertion criteria provided. Collection method: clinical testing. Allele origin: germline. Affected: yes. Study: VKGL Data-share Consensus. Not counted in ClinVar's aggregate classification.